The following is an entry in ClinVar:

NM_001256455.2(ZBTB7B):c.750G>A (p.Pro250=)

Gene: ZBTB7B (zinc finger and BTB domain containing 7B; plus strand). Cytogenetic location: 1q21.3.
Variant type: single nucleotide variant.
Coding change: c.750G>A on transcript NM_001256455.2 (MANE Select); coding-DNA position 750, G replaced by A.
Protein change: p.Pro250=; no amino-acid change (proline 250 retained).
Molecular consequence: synonymous variant.
Genome position (GRCh38, 1-based): chr1:155,015,410, G>A. VCF-style: chr1-155015410-G-A. GRCh37 (hg19) VCF-style: chr1-154987886-G-A.
Other names: c.750G>A, p.Pro250= (NM_001252405.1, NM_001377452.1, NM_001377453.1 and 3 more transcripts); c.852G>A, p.Pro284= (NM_001252406.3, NM_001377451.1).
Identifiers: ClinVar variation 2639389 (VCV002639389.24), dbSNP rs142382342, ClinGen allele CA1134889.

ClinVar aggregate classification (germline): Likely benign (1 of 4 stars; one submission).

Allele frequency attached by ClinVar (database versions not stated): gnomAD 0.00003; TOPMed 0.00006; gnomAD exomes 0.00009; ExAC 0.00011; 1000 Genomes Project 30x 0.00016; 1000 Genomes Project 0.00020; ESP Exome Variant Server 0.00023.
gnomAD v4.1: 136 of 1,569,670 alleles (0.0087%); highest among the groups gnomAD compares: Middle Eastern, 0.017%; no homozygotes.

Submission:

CeGaT Center for Human Genetics Tuebingen
Classification: Likely benign. Last evaluated: 2023-01-01. Review status: criteria provided, single submitter. Criteria: CeGaT Center For Human Genetics Tuebingen Variant Classification Criteria Version 2. Collection method: clinical testing. Allele origin: germline. Affected: yes. Observed: 1 variant allele.
Comment: ZBTB7B: BP4, BP7